The following is an entry in ClinVar:

NM_020436.5(SALL4):c.1657C>T (p.Gln553Ter)

Gene: SALL4 (spalt like transcription factor 4; minus strand). Cytogenetic location: 20q13.2.
Variant type: single nucleotide variant.
Coding change: c.1657C>T on transcript NM_020436.5 (MANE Select); coding-DNA position 1657, C replaced by T.
Protein change: p.Gln553Ter; replaces glutamine 553 with a stop codon.
Molecular consequence: nonsense. On other transcripts: intron variant (1).
Genome position (GRCh38, 1-based): chr20:51,790,826, G>A on the plus strand (C>T on the coding strand, the complement: SALL4 is on the minus strand). VCF-style: chr20-51790826-G-A. GRCh37 (hg19) VCF-style: chr20-50407365-G-A.
Other names: c.1150+507C>T (NM_001318031.2); short protein forms Q553*.
Identifiers: ClinVar variation 1415336 (VCV001415336.6), dbSNP rs2122963183, ClinGen allele CA409009631.
Genomic context (GRCh38, chr20:51,790,826, plus strand): 5'-GGTGGCAAATGAGACATTCGTTGGGATCAGTGGTGGCCTTGTCAATGTTCTCCACCAACT[G>A]CTGCAATTTCAGGGTCTCTGACCCTGGCTCAGGGGTCCCACTCCCTTGGAAGCCACCAGC-3'

ClinVar aggregate classification (germline): Pathogenic (1 of 4 stars; one submission).

Conditions:
Duane-radial ray syndrome (DRRS). Also called: ACRORENOOCULAR SYNDROME; DR SYNDROME; DUANE ANOMALY WITH RADIAL RAY ABNORMALITIES AND DEAFNESS; Duane-Radial Ray Syndrome (DRRS) / Okihiro Syndrome; Okihiro Syndrome; Duane-Radial Ray Syndrome/Okihiro Syndrome. Identifiers: Orphanet 93293, Orphanet 959, MedGen C1623209, MONDO:0011812, OMIM 607323. Disease mechanism: gain of function.

Submission:

Labcorp Genetics (formerly Invitae), Labcorp
Classification: Pathogenic for Duane-radial ray syndrome. Last evaluated: 2023-05-22. Review status: criteria provided, single submitter. Criteria: Invitae Variant Classification Sherloc (09022015). Collection method: clinical testing. Allele origin: germline.
Comment: For these reasons, this variant has been classified as Pathogenic. This variant is not present in population databases (gnomAD no frequency). ClinVar contains an entry for this variant (Variation ID: 1415336). This variant has not been reported in the literature in individuals affected with SALL4-related conditions. This sequence change creates a premature translational stop signal (p.Gln553*) in the SALL4 gene. It is expected to result in an absent or disrupted protein product. Loss-of-function variants in SALL4 are known to be pathogenic (PMID: 15342710, 16086360).

Literature cited by the submitters: PubMed 15342710; PubMed 16086360.